The following is an entry in ClinVar:

ClinVar aggregate classification (germline): Pathogenic (1 of 4 stars; one submission).

Allele frequency attached by ClinVar (database versions not stated): ExAC 0.00001.
gnomAD v4.1: 39 of 1,614,058 alleles (0.0024%); highest among the groups gnomAD compares: Non-Finnish European, 0.0032%; no homozygotes.

Submission:

Labcorp Genetics (formerly Invitae), Labcorp
Classification: Pathogenic. Last evaluated: 2023-11-15. Review status: criteria provided, single submitter. Criteria: Invitae Variant Classification Sherloc (09022015). Collection method: clinical testing. Allele origin: germline.
Comment: This sequence change creates a premature translational stop signal (p.Gly56*) in the SGPL1 gene. It is expected to result in an absent or disrupted protein product. Loss-of-function variants in SGPL1 are known to be pathogenic (PMID: 28165339, 28165343). This variant is present in population databases (rs779596408, gnomAD 0.0009%). This variant has not been reported in the literature in individuals affected with SGPL1-related conditions. For these reasons, this variant has been classified as Pathogenic.

Literature cited by the submitters: PubMed 28165339; PubMed 28165343.

NM_003901.4(SGPL1):c.166G>T (p.Gly56Ter)

Gene: SGPL1 (sphingosine-1-phosphate lyase 1; plus strand). Cytogenetic location: 10q22.1.
Variant type: single nucleotide variant.
Coding change: c.166G>T on transcript NM_003901.4 (MANE Select); coding-DNA position 166, G replaced by T.
Protein change: p.Gly56Ter; replaces glycine 56 with a stop codon.
Molecular consequence: nonsense.
Genome position (GRCh38, 1-based): chr10:70,844,611, G>T. VCF-style: chr10-70844611-G-T. GRCh37 (hg19) VCF-style: chr10-72604368-G-T.
Other names: short protein forms G56*.
Identifiers: ClinVar variation 2779742 (VCV002779742.3), dbSNP rs779596408, ClinGen allele CA5541096.
Genomic context (GRCh38, chr10:70,844,611, plus strand): 5'-AAGTATGAGCCCTGGCAGCTAATTGCATGGAGTGTCGTGTGGACCCTGCTGATAGTCTGG[G>T]GATATGAGTTTGTCTTCCAGCCAGAGAGTAAGTATGCTGTCTCCTCTGTAAAGGTATAGT-3'